The following is an entry in ClinVar:

NM_004104.5(FASN):c.3392G>A (p.Arg1131His)

Gene: FASN (fatty acid synthase; minus strand). Cytogenetic location: 17q25.3.
Variant type: single nucleotide variant.
Coding change: c.3392G>A on transcript NM_004104.5 (MANE Select); coding-DNA position 3392, G replaced by A.
Protein change: p.Arg1131His; replaces arginine 1131 with histidine.
Molecular consequence: missense variant.
Genome position (GRCh38, 1-based): chr17:82,087,085, C>T on the plus strand (G>A on the coding strand, the complement: FASN is on the minus strand). VCF-style: chr17-82087085-C-T. GRCh37 (hg19) VCF-style: chr17-80044961-C-T.
Other names: short protein forms R1131H.
Identifiers: ClinVar variation 846962 (VCV000846962.11), dbSNP rs147660865, ClinGen allele CA8852403.

ClinVar aggregate classification (germline): Uncertain significance. Review status: criteria provided, multiple submitters, no conflicts (2 of 4 stars). 2 submissions from 2 submitters: Uncertain significance (2). Last evaluated 2025-08-29.

Conditions:
Epileptic encephalopathy. Identifiers: MedGen C0543888, HP:0200134.

Allele frequency attached by ClinVar (database versions not stated): ExAC 0.00005; TOPMed 0.00005; gnomAD 0.00006; gnomAD exomes 0.00006 and 0.00010; ESP Exome Variant Server 0.00008.

Submissions (2):

Ambry Genetics
Classification: Uncertain significance. Last evaluated: 2025-08-29. Review status: criteria provided, single submitter. Criteria: Ambry Variant Classification Scheme 2023. Collection method: clinical testing. Allele origin: germline.

Labcorp Genetics (formerly Invitae), Labcorp
Classification: Uncertain significance for Epileptic encephalopathy. Last evaluated: 2024-04-05. Review status: criteria provided, single submitter. Criteria: Invitae Variant Classification Sherloc (09022015). Collection method: clinical testing. Allele origin: germline.
Comment: This sequence change replaces arginine, which is basic and polar, with histidine, which is basic and polar, at codon 1131 of the FASN protein (p.Arg1131His). This variant is present in population databases (rs147660865, gnomAD 0.02%). This variant has not been reported in the literature in individuals affected with FASN-related conditions. ClinVar contains an entry for this variant (Variation ID: 846962). An algorithm developed to predict the effect of missense changes on protein structure and function (PolyPhen-2) suggests that this variant is likely to be tolerated. In summary, the available evidence is currently insufficient to determine the role of this variant in disease. Therefore, it has been classified as a Variant of Uncertain Significance.